The following is an entry in ClinVar:

ClinVar aggregate classification (germline): Uncertain significance. Review status: criteria provided, multiple submitters, no conflicts (2 of 4 stars). 4 submissions from 4 submitters: Uncertain significance (4). Last evaluated 2023-09-08.

Conditions:
Cardiovascular phenotype. Identifiers: MedGen CN230736.
Hypertrophic cardiomyopathy 14. Identifiers: MedGen C2750467, MONDO:0013197, OMIM 613251.

Submissions (4):

Labcorp Genetics (formerly Invitae), Labcorp
Classification: Uncertain significance for Hypertrophic cardiomyopathy 14. Last evaluated: 2023-09-08. Review status: criteria provided, single submitter. Criteria: Invitae Variant Classification Sherloc (09022015). Collection method: clinical testing. Allele origin: germline.
Comment: This sequence change creates a premature translational stop signal (p.Glu1147Glyfs*86) in the MYH6 gene. It is expected to result in an absent or disrupted protein product. However, the current clinical and genetic evidence is not sufficient to establish whether loss-of-function variants in MYH6 cause disease. This variant is not present in population databases (gnomAD no frequency). This variant has not been reported in the literature in individuals affected with MYH6-related conditions. ClinVar contains an entry for this variant (Variation ID: 44485). In summary, the available evidence is currently insufficient to determine the role of this variant in disease. Therefore, it has been classified as a Variant of Uncertain Significance.

Ambry Genetics
Classification: Uncertain significance for Cardiovascular phenotype. Last evaluated: 2023-04-03. Review status: criteria provided, single submitter. Criteria: Ambry General Variant Classification Scheme_2022. Collection method: clinical testing. Allele origin: germline.
Comment: The c.3437dupA variant, located in coding exon 24 of the MYH6 gene, results from a duplication of A at nucleotide position 3437, causing a translational frameshift with a predicted alternate stop codon (p.E1147Gfs*86). This alteration is expected to result in protein truncation or nonsense-mediated mRNA decay. However, loss of function of MYH6 has not been established as a mechanism of disease. Since supporting evidence is limited at this time, the clinical significance of this alteration remains unclear.

Eurofins Ntd Llc (ga)
Classification: Uncertain significance. Last evaluated: 2018-03-28. Review status: criteria provided, single submitter. Criteria: EGL ClinVar v180209 classification definitions. Collection method: clinical testing. Allele origin: germline. Observed: 1 variant allele, 1 heterozygote.

Laboratory for Molecular Medicine, Mass General Brigham Personalized Medicine
Classification: Uncertain significance. Last evaluated: 2014-07-03. Review status: criteria provided, single submitter. Criteria: LMM Criteria. Collection method: clinical testing. Allele origin: germline. Observed: 3 variant alleles.
Comment: The Glu1147fs variant in MYH6 has not been reported in any other families with c ardiomyopathy. Data from large population studies is insufficient to assess its frequency in the general population. This variant is predicted to cause a frames hift, which alters the protein?s amino acid sequence beginning at position 1147 and lead to a premature termination codon 86 amino acids downstream. This altera tion is then predicted to lead to a truncated or absent protein. Variants in MYH 6 have been reported in both individuals with in HCM and DCM (Carniel 2005, Hers hberger 2010), though its role in disease not yet well defined and it is unclear if a heterozygous loss-of-function variant would play a role in disease. In sum mary, the clinical significance of the Glu1147fs variant is uncertain.

Literature cited by the submitters: PubMed 15998695 (cited by Laboratory for Molecular Medicine, Mass General Brigham Personalized Medicine); PubMed 20215591 (cited by Laboratory for Molecular Medicine, Mass General Brigham Personalized Medicine).

NM_002471.4(MYH6):c.3437dup (p.Glu1147fs)

Gene: MYH6 (myosin heavy chain 6; minus strand). Cytogenetic location: 14q11.2.
Variant type: Duplication.
Coding change: c.3437dup on transcript NM_002471.4 (MANE Select); coding-DNA position 3437, one base duplicated (A; older notation c.3437dupA).
Protein change: p.Glu1147fs; shifts the reading frame from glutamic acid 1147.
Molecular consequence: frameshift variant (on NM_002471.3).
Genome position (GRCh38, 1-based): chr14:23,390,352, T duplicated on the plus strand (A on the coding strand, the reverse complement: MYH6 is on the minus strand). VCF-style (leftmost placement, unchanged base first): chr14-23390351-C-CT. GRCh37 (hg19) VCF-style: chr14-23859560-C-CT.
Other names: NM_002471.3:c.3437dupA; p.Glu1147GlyfsX86; c.3437_3438insA (NM_002471.3); short protein forms E1147fs.
Identifiers: ClinVar variation 44485 (VCV000044485.12), dbSNP rs397516761, ClinGen allele CA134337.
Genomic context (GRCh38, chr14:23,390,351, plus strand): 5'-GTTCATCTCGATCTGCACGGACGTGGCCCCGCCGGCCTCTTCCAGCCGCTCGCTGATCTC[C>CT]TCCAGCTCCCGAGACAGGTCTGAGCGCAGCTTCTCCACCTTAGCCCTGGCGGTGCGCTCG-3'